The following is an entry in ClinVar:

NM_001372044.2(SHANK3):c.3546C>T (p.Pro1182=)

Gene: SHANK3 (SH3 and multiple ankyrin repeat domains 3; plus strand). Cytogenetic location: 22q13.33.
Variant type: single nucleotide variant.
Coding change: c.3546C>T on transcript NM_001372044.2 (MANE Select); coding-DNA position 3546, C replaced by T.
Protein change: p.Pro1182=; no amino-acid change (proline 1182 retained).
Molecular consequence: synonymous variant.
Genome position (GRCh38, 1-based): chr22:50,721,154, C>T. VCF-style: chr22-50721154-C-T. GRCh37 (hg19) VCF-style: chr22-51159582-C-T.
Identifiers: ClinVar variation 3778279 (VCV003778279.7).

ClinVar aggregate classification (germline): Likely benign (1 of 4 stars; one submission).

Submission:

CeGaT Center for Human Genetics Tuebingen
Classification: Likely benign. Last evaluated: 2025-03-01. Review status: criteria provided, single submitter. Criteria: CeGaT Center For Human Genetics Tuebingen Variant Classification Criteria Version 2. Collection method: clinical testing. Allele origin: germline. Affected: yes. Observed: 1 variant allele.
Comment: SHANK3: BP4, BP7